The following is an entry in ClinVar:

NM_000264.5(PTCH1):c.3698G>A (p.Gly1233Asp)

Gene: PTCH1 (patched 1; minus strand). Cytogenetic location: 9q22.32.
Variant type: single nucleotide variant.
Coding change: c.3698G>A on transcript NM_000264.5 (MANE Select); coding-DNA position 3698, G replaced by A.
Protein change: p.Gly1233Asp; replaces glycine 1233 with aspartic acid.
Molecular consequence: missense variant. On other transcripts: non-coding transcript variant (1).
Genome position (GRCh38, 1-based): chr9:95,449,175, C>T on the plus strand (G>A on the coding strand, the complement: PTCH1 is on the minus strand). VCF-style: chr9-95449175-C-T. GRCh37 (hg19) VCF-style: chr9-98211457-C-T.
Other names: c.3500G>A, p.Gly1167Asp (NM_001083602.3); c.3695G>A, p.Gly1232Asp (NM_001083603.3); c.3245G>A, p.Gly1082Asp (NM_001083604.3, NM_001083605.3, NM_001083606.3 and 1 more transcripts); c.3542G>A, p.Gly1181Asp (NM_001354918.2); short protein forms G1167D, G1232D, G1082D, G1181D, G1233D.
Identifiers: ClinVar variation 1933791 (VCV001933791.7), dbSNP rs2136599226, ClinGen allele CA374111120.

ClinVar aggregate classification (germline): Uncertain significance. Review status: criteria provided, multiple submitters, no conflicts (2 of 4 stars). 2 submissions from 2 submitters: Uncertain significance (2). Last evaluated 2026-08-24.

Conditions:
Hereditary cancer-predisposing syndrome. Also called: Hereditary neoplastic syndrome; Neoplastic Syndromes, Hereditary; Tumor predisposition; Hereditary Cancer Syndrome. Identifiers: Orphanet 140162, MedGen C0027672, MeSH D009386, MONDO:0015356.
Gorlin syndrome. Also called: Nevoid Basal Cell Carcinoma Syndrome; Basal cell nevus syndrome. Identifiers: Orphanet 377, MedGen C0004779, MONDO:0007187.

gnomAD v4.1: 1 of 1,612,790 alleles (0.000062%); highest among the groups gnomAD compares: Non-Finnish European, 0.000085%; no homozygotes.

Submissions (2):

Ambry Genetics
Classification: Uncertain significance for Hereditary cancer-predisposing syndrome. Last evaluated: 2026-08-24. Review status: criteria provided, single submitter. Criteria: Ambry Variant Classification Scheme 2023. Collection method: clinical testing. Allele origin: germline.
Comment: The p.G1233D variant (also known as c.3698G>A), located in coding exon 22 of the PTCH1 gene, results from a G to A substitution at nucleotide position 3698. The glycine at codon 1233 is replaced by aspartic acid, an amino acid with similar properties. This amino acid position is highly conserved in available vertebrate species. In addition, this alteration is predicted to be deleterious by in silico analysis. Based on the available evidence, the clinical significance of this variant remains unclear.

Labcorp Genetics (formerly Invitae), Labcorp
Classification: Uncertain significance for Gorlin syndrome. Last evaluated: 2024-04-16. Review status: criteria provided, single submitter. Criteria: Invitae Variant Classification Sherloc (09022015). Collection method: clinical testing. Allele origin: germline.
Comment: This sequence change replaces glycine, which is neutral and non-polar, with aspartic acid, which is acidic and polar, at codon 1233 of the PTCH1 protein (p.Gly1233Asp). This variant is not present in population databases (gnomAD no frequency). This variant has not been reported in the literature in individuals affected with PTCH1-related conditions. ClinVar contains an entry for this variant (Variation ID: 1933791). Advanced modeling of protein sequence and biophysical properties (such as structural, functional, and spatial information, amino acid conservation, physicochemical variation, residue mobility, and thermodynamic stability) performed at Invitae indicates that this missense variant is not expected to disrupt PTCH1 protein function with a negative predictive value of 95%. In summary, the available evidence is currently insufficient to determine the role of this variant in disease. Therefore, it has been classified as a Variant of Uncertain Significance.